The following is an entry in ClinVar:

NM_000059.4(BRCA2):c.2533_2534delinsGA (p.Pro845Asp)

Gene: BRCA2 (BRCA2 DNA repair associated; plus strand). Cytogenetic location: 13q13.1.
Variant type: Indel.
Coding change: c.2533_2534delinsGA on transcript NM_000059.4 (MANE Select); coding-DNA positions 2533 to 2534, CC replaced by GA.
Protein change: p.Pro845Asp; replaces proline 845 with aspartic acid.
Molecular consequence: missense variant.
Genome position (GRCh38, 1-based): chr13:32,336,888-32,336,889, CC replaced by GA. VCF-style: chr13-32336888-CC-GA. GRCh37 (hg19) VCF-style: chr13-32911025-CC-GA.
Other names: short protein forms P845D.
Identifiers: ClinVar variation 1172110 (VCV001172110.5), dbSNP rs2137487466, ClinGen allele CA2499222107.

ClinVar aggregate classification (germline): Conflicting classifications of pathogenicity. Review status: criteria provided, conflicting classifications (1 of 4 stars). 2 submissions from 2 submitters: Uncertain significance (1); Likely benign (1). Last evaluated 2024-03-06.

Conditions:
Hereditary cancer-predisposing syndrome. Also called: Tumor predisposition; Hereditary neoplastic syndrome; Hereditary Cancer Syndrome; Neoplastic Syndromes, Hereditary. Identifiers: Orphanet 140162, MedGen C0027672, MeSH D009386, MONDO:0015356.

Submissions (2):

Color Diagnostics, LLC DBA Color Health
Classification: Uncertain significance for Hereditary cancer-predisposing syndrome. Last evaluated: 2024-03-06. Review status: criteria provided, single submitter. Criteria: ACMG Guidelines, 2015. Collection method: clinical testing. Allele origin: germline.
Comment: This missense variant replaces proline with aspartic acid at codon 845 of the BRCA2 protein. Computational prediction is inconclusive regarding the impact of this variant on protein structure and function (internally defined REVEL score threshold 0.5 < inconclusive < 0.7, PMID: 27666373). To our knowledge, functional studies have not been reported for this variant. This variant has not been reported in individuals affected with hereditary cancer in the literature. This variant has not been identified in the general population by the Genome Aggregation Database (gnomAD). The available evidence is insufficient to determine the role of this variant in disease conclusively. Therefore, this variant is classified as a Variant of Uncertain Significance.

University of Washington Department of Laboratory Medicine, University of Washington
Classification: Likely benign for Hereditary cancer-predisposing syndrome. Last evaluated: 2023-03-23. Review status: criteria provided, single submitter. Criteria: Dines et al. (Genet Med. 2020). Collection method: curation. Allele origin: germline.
Comment: Missense variant in a coldspot region where missense variants are very unlikely to be pathogenic (PMID:31911673).

BRCA2 exon 11 coldspot. Reclassification based on statistical prior probability.